The following is an entry in ClinVar:

NM_004656.4(BAP1):c.1379C>T (p.Ser460Leu)

Gene: BAP1 (BRCA1 associated deubiquitinase 1; minus strand). Cytogenetic location: 3p21.1.
Variant type: single nucleotide variant.
Coding change: c.1379C>T on transcript NM_004656.4 (MANE Select); coding-DNA position 1379, C replaced by T.
Protein change: p.Ser460Leu; replaces serine 460 with leucine.
Molecular consequence: missense variant.
Genome position (GRCh38, 1-based): chr3:52,403,766, G>A on the plus strand (C>T on the coding strand, the complement: BAP1 is on the minus strand). VCF-style: chr3-52403766-G-A. GRCh37 (hg19) VCF-style: chr3-52437782-G-A.
Other names: short protein forms S460L.
Identifiers: ClinVar variation 921675 (VCV000921675.17), dbSNP rs1553644949, ClinGen allele CA353101687.

ClinVar aggregate classification (germline): Conflicting classifications of pathogenicity. Review status: criteria provided, conflicting classifications (1 of 4 stars). 5 submissions from 5 submitters: Uncertain significance (4); Benign (1). Last evaluated 2025-07-08.

Conditions:
Hereditary cancer-predisposing syndrome. Also called: Neoplastic Syndromes, Hereditary; Tumor predisposition; Hereditary Cancer Syndrome; Hereditary neoplastic syndrome. Identifiers: Orphanet 140162, MedGen C0027672, MeSH D009386, MONDO:0015356.
BAP1-related tumor predisposition syndrome (TPDS1). Also called: Tumor susceptibility linked to germline BAP1 mutations; COMMON Syndrome; TUMOR PREDISPOSITION SYNDROME 1; BAP1 tumor predisposition syndrome. Identifiers: Orphanet 289539, MedGen C3280492, MONDO:0013692, OMIM 614327.

Allele frequency attached by ClinVar (database versions not stated): gnomAD exomes below 0.00001.

Submissions (5):

Labcorp Genetics (formerly Invitae), Labcorp
Classification: Uncertain significance for BAP1-related tumor predisposition syndrome. Last evaluated: 2025-07-08. Review status: criteria provided, single submitter. Criteria: Invitae Variant Classification Sherloc (09022015). Collection method: clinical testing. Allele origin: germline.
Comment: This sequence change replaces serine, which is neutral and polar, with leucine, which is neutral and non-polar, at codon 460 of the BAP1 protein (p.Ser460Leu). This variant is not present in population databases (gnomAD no frequency). This variant has not been reported in the literature in individuals affected with BAP1-related conditions. ClinVar contains an entry for this variant (Variation ID: 921675). Invitae Evidence Modeling of protein sequence and biophysical properties (such as structural, functional, and spatial information, amino acid conservation, physicochemical variation, residue mobility, and thermodynamic stability) indicates that this missense variant is not expected to disrupt BAP1 protein function with a negative predictive value of 80%. In summary, the available evidence is currently insufficient to determine the role of this variant in disease. Therefore, it has been classified as a Variant of Uncertain Significance.

Ambry Genetics
Classification: Benign for Hereditary cancer-predisposing syndrome. Last evaluated: 2025-05-16. Review status: criteria provided, single submitter. Criteria: Ambry Variant Classification Scheme 2023. Collection method: clinical testing. Allele origin: germline.

Color Diagnostics, LLC DBA Color Health
Classification: Uncertain significance for Hereditary cancer-predisposing syndrome. Last evaluated: 2024-05-08. Review status: criteria provided, single submitter. Criteria: ACMG Guidelines, 2015. Collection method: clinical testing. Allele origin: germline.
Comment: This missense variant replaces serine with leucine at codon 460 of the BAP1 protein. Computational prediction suggests that this variant may not impact protein structure and function. To our knowledge, functional studies have not been reported for this variant. This variant has not been reported in individuals affected with hereditary cancer in the literature. This variant has not been identified in the general population by the Genome Aggregation Database (gnomAD). The available evidence is insufficient to determine the role of this variant in disease conclusively. Therefore, this variant is classified as a Variant of Uncertain Significance.

GeneDx
Classification: Uncertain significance. Last evaluated: 2023-03-15. Review status: criteria provided, single submitter. Criteria: GeneDx Variant Classification Process June 2021. Collection method: clinical testing. Allele origin: germline. Affected: yes.
Comment: Not observed at significant frequency in large population cohorts (gnomAD); In silico analysis supports that this missense variant does not alter protein structure/function; Has not been previously published as pathogenic or benign to our knowledge

Sema4
Classification: Uncertain significance for Hereditary cancer-predisposing syndrome. Last evaluated: 2021-10-24. Review status: criteria provided, single submitter. Criteria: Sema4 Curation Guidelines. Collection method: curation. Allele origin: germline.
Comment: The BAP1 c.1379C>T (p.S460L) variant has not been reported in literature to our knowledge. It was not observed in the large and broad cohorts of the Genome Aggregation Database (PMID: 32461654). This variant has been reported in ClinVar (Variation ID 921675). Functional studies have not been performed, and in silico predictions of the variant's effect on protein function are inconclusive. The overall evidence is insufficient to meet ACMG/AMP criteria for classifying it as benign or pathogenic. In summary, the clinical significance of this variant is currently uncertain.

Literature cited by the submitters: PubMed 38969833 (cited by Ambry Genetics).